The following is an entry in ClinVar:

NM_001267550.2(TTN):c.66804_66805insT (p.Lys22269Ter)

Genes: TTN (titin; minus strand), TTN-AS1 (TTN antisense RNA 1; plus strand). Cytogenetic location: 2q31.2.
Variant type: Insertion.
Coding change: c.66804_66805insT on transcript NM_001267550.2 (MANE Select); coding-DNA positions 66804 to 66805, T inserted.
Protein change: p.Lys22269Ter; replaces lysine 22269 with a stop codon.
Molecular consequence: nonsense.
Genome position: GRCh38 VCF-style: chr2-178580574-T-TA. GRCh37 (hg19) VCF-style: chr2-179445301-T-TA.
Other names: c.61881_61882insT, p.Lys20628Ter (NM_001256850.1); c.39609_39610insT, p.Lys13204Ter (NM_003319.4); c.59100_59101insT, p.Lys19701Ter (NM_133378.4); c.39984_39985insT, p.Lys13329Ter (NM_133432.3); c.40185_40186insT, p.Lys13396Ter (NM_133437.4); short protein forms K13204*, K13329*, K13396*, K19701*, K20628*, K22269*.
Identifiers: ClinVar variation 4540409 (VCV004540409.1).
Genomic context (GRCh38, chr2:178,580,574, plus strand): 5'-GGCGTCCTTTTACTGGTACATATAGTCTCATAGTAACTCCAGCACGTAATATGAGTGTCT[T>TA]CCTTAAGTCCGCATCAAGTTCTCCCTCAGGTGGAACTGTTTAATTTTGGGTGAAGAAGTT-3'

ClinVar aggregate classification (germline): Likely pathogenic (1 of 4 stars; one submission).

Conditions:
Dilated cardiomyopathy 1G (CMD1G). Identifiers: Orphanet 154, MedGen C1858763, MONDO:0011400, OMIM 604145.

Submission:

MVZ Medizinische Genetik Mainz
Classification: Likely pathogenic for Dilated cardiomyopathy 1G. Last evaluated: 2025-12-10. Review status: criteria provided, single submitter. Criteria: UK Practice Guidelines For Variant Classification V4 01 2020. Collection method: clinical testing. Allele origin: germline. Inheritance: Autosomal dominant inheritance. Affected: yes. Observed: 1 variant allele.
Comment: ACMG Criteria: PVS1,PM2_SUP